The following is an entry in ClinVar:

NC_000015.9:g.(?_68499209)_(68500605_?)del

Gene: CLN6 (CLN6 transmembrane ER protein; minus strand). Cytogenetic location: 15q23.
Variant type: Deletion.
Identifiers: ClinVar variation 2426366 (VCV002426366.5).

ClinVar aggregate classification (germline): Pathogenic (1 of 4 stars; one submission).

Conditions:
Neuronal ceroid lipofuscinosis. Also called: Neuronal Ceroid Lipofuscinoses. Identifiers: Orphanet 216, Orphanet 79263, MedGen C0027877, MONDO:0016295. Disease mechanism: loss of function.

Submission:

Labcorp Genetics (formerly Invitae), Labcorp
Classification: Pathogenic for Neuronal ceroid lipofuscinosis. Last evaluated: 2021-12-22. Review status: criteria provided, single submitter. Criteria: Invitae Variant Classification Sherloc (09022015). Collection method: clinical testing. Allele origin: germline.
Comment: For these reasons, this variant has been classified as Pathogenic. This variant disrupts a region of the CLN6 protein in which other variant(s) (p.Pro299Leu) have been determined to be pathogenic (PMID: 19135028). This suggests that this is a clinically significant region of the protein, and that variants that disrupt it are likely to be disease-causing. This variant has not been reported in the literature in individuals affected with CLN6-related conditions. This variant results in the deletion of part of exon 7 (c.809_*1269delinsAGA) of the CLN6 gene. While this deletion is not anticipated to lead to nonsense mediated decay, it is expected to alter mRNA translation or result in a truncated protein product.

Literature cited by the submitters: PubMed 19135028.